The following is an entry in ClinVar:

NM_030665.4(RAI1):c.840_852del (p.Gln280fs)

Gene: RAI1 (retinoic acid induced 1; plus strand). Cytogenetic location: 17p11.2.
Variant type: Deletion.
Coding change: c.840_852del on transcript NM_030665.4 (MANE Select); coding-DNA positions 840 to 852, 13 bases deleted (GCAGCAGCAGCAG).
Protein change: p.Gln280fs; shifts the reading frame from glutamine 280.
Molecular consequence: frameshift variant.
Genome position (GRCh38, 1-based): chr17:17,793,788-17,793,800, GCAGCAGCAGCAG deleted. VCF-style (leftmost placement, unchanged base first): chr17-17793787-AGCAGCAGCAGCAG-A. GRCh37 (hg19) VCF-style: chr17-17697101-AGCAGCAGCAGCAG-A.
Other names: short protein forms Q280fs.
Identifiers: ClinVar variation 3034686 (VCV003034686.2), dbSNP rs773911923, ClinGen allele CA8418214.
Genomic context (GRCh38, chr17:17,793,787, plus strand): 5'-GGCAGCGGGTCCAGAATCTTCATGCCTACCAGTCGGGCCGCCTCAGCTATGACCAGCAGC[AGCAGCAGCAGCAG>A]CAGCAGCAGCAGCAGCAGCAAGCCCTTCAGAGCCGGCACCATGCCCAGGAAACCCTCCAT-3'

ClinVar aggregate classification (germline): Likely benign (0 of 4 stars; one submission).

Conditions:
RAI1-related disorder. Also called: RAI1-related condition.

Allele frequency attached by ClinVar (database versions not stated): gnomAD 0.00014; gnomAD exomes 0.00015; ExAC 0.00033.

Submission:

PreventionGenetics, part of Exact Sciences
Classification: Likely benign for RAI1-related condition. Last evaluated: 2020-10-27. Review status: no assertion criteria provided. Collection method: clinical testing. Allele origin: germline.
Comment: This variant is classified as likely benign based on ACMG/AMP sequence variant interpretation guidelines (Richards et al. 2015 PMID: 25741868, with internal and published modifications).